The following is an entry in ClinVar:

ClinVar aggregate classification (germline): Conflicting classifications of pathogenicity. Review status: criteria provided, conflicting classifications (1 of 4 stars). 4 submissions from 4 submitters: Likely pathogenic (1); Uncertain significance (1); Likely benign (1). 1 of the submissions does not count toward it. Last evaluated 2024-03-07.

Conditions:
Intellectual developmental disorder with epilepsy, behavioral abnormalities, and coarse facies. Identifiers: MedGen C5436646, MONDO:0033572, OMIM 619031.
Congenital myasthenic syndrome 15. Also called: Myasthenic syndrome, congenital, 15, without tubular aggregates. Identifiers: Orphanet 353327, Orphanet 590, MedGen C4015596, MONDO:0014542, OMIM 616227.
ALG14-related disorder. Also called: ALG14-related condition.

Submissions (4):

Blueprint Genetics
Classification: Likely pathogenic for ALG14-related disorders. Last evaluated: 2024-03-07. Review status: criteria provided, single submitter. Criteria: ACMG Guidelines, 2015. Collection method: clinical testing. Allele origin: germline. Affected: yes. Observed: 3 variant alleles.

Labcorp Genetics (formerly Invitae), Labcorp
Classification: Uncertain significance for Congenital myasthenic syndrome 15. Last evaluated: 2021-07-14. Review status: criteria provided, single submitter. Criteria: Invitae Variant Classification Sherloc (09022015). Collection method: clinical testing. Allele origin: germline.
Comment: This sequence change falls in intron 3 of the ALG14 gene. It does not directly change the encoded amino acid sequence of the ALG14 protein. RNA analysis indicates that this variant induces altered splicing and likely results in a shortened protein product. This variant is not present in population databases (ExAC no frequency). This variant has been observed in individual(s) with clinical features of ALG14-related conditions (PMID: 30221345). ClinVar contains an entry for this variant (Variation ID: 978234). Studies have shown that this variant alters ALG14 gene expression (PMID: 30221345). Nucleotide substitutions within the consensus splice site are a relatively common cause of aberrant splicing (PMID: 17576681, 9536098). Studies have shown that this variant results in skipping of exon 3, but is expected to preserve the integrity of the reading-frame (PMID: 30221345). In summary, the available evidence is currently insufficient to determine the role of this variant in disease. Therefore, it has been classified as a Variant of Uncertain Significance.

GeneDx
Classification: Likely benign. Last evaluated: 2018-08-13. Review status: criteria provided, single submitter. Criteria: GeneDx Variant Classification Process June 2021. Collection method: clinical testing. Allele origin: germline. Affected: yes.
Comment: See Variant Classification Assertion Criteria.

OMIM
Classification: Pathogenic for INTELLECTUAL DEVELOPMENTAL DISORDER WITH EPILEPSY, BEHAVIORAL ABNORMALITIES, AND COARSE FACIES (1 family). Last evaluated: 2020-10-05. Review status: no assertion criteria provided. Collection method: literature only. Allele origin: germline. Not counted in ClinVar's aggregate classification.

Literature cited by the submitters: PubMed 30221345 (cited by Labcorp Genetics (formerly Invitae), Labcorp and OMIM); PubMed 17576681 (cited by Labcorp Genetics (formerly Invitae), Labcorp); PubMed 9536098 (cited by Labcorp Genetics (formerly Invitae), Labcorp).

NM_144988.4(ALG14):c.420+6_420+9del

Gene: ALG14 (ALG14 UDP-N-acetylglucosaminyltransferase subunit; minus strand). Cytogenetic location: 1p21.3.
Variant type: Microsatellite.
Coding change: c.420+6_420+9del on transcript NM_144988.4 (MANE Select); bases 6 to 9 of the intron after coding-DNA position 420, 4 bases deleted (TAAG; older notation c.420+6_420+9delTAAG).
Molecular consequence: splice donor variant.
Genome position (GRCh38, 1-based): chr1:95,027,120-95,027,123, CTTA deleted on the plus strand (TAAG on the coding strand, the reverse complement: ALG14 is on the minus strand); deleting any 4 consecutive bases within chr1:95,027,120-95,027,128 gives the same sequence; the c. name uses the placement nearest the transcript's 3' end. VCF-style (leftmost placement, unchanged base first): chr1-95027119-TCTTA-T. GRCh37 (hg19) VCF-style: chr1-95492675-TCTTA-T.
Other names: c.457+6_457+9del (NM_001305242.2).
Identifiers: ClinVar variation 978234 (VCV000978234.9), dbSNP rs1673843345, ClinGen allele CA1004613338.